The following is an entry in ClinVar:

ClinVar aggregate classification (germline): Uncertain significance (1 of 4 stars; one submission).

gnomAD v4.1: 1 of 1,614,174 alleles (0.000062%); highest among the groups gnomAD compares: Non-Finnish European, 0.000085%; no homozygotes.

Submission:

Labcorp Genetics (formerly Invitae), Labcorp
Classification: Uncertain significance. Last evaluated: 2024-05-23. Review status: criteria provided, single submitter. Criteria: Invitae Variant Classification Sherloc (09022015). Collection method: clinical testing. Allele origin: germline.
Comment: This sequence change replaces histidine, which is basic and polar, with arginine, which is basic and polar, at codon 1988 of the MTOR protein (p.His1988Arg). This variant is not present in population databases (gnomAD no frequency). This variant has not been reported in the literature in individuals affected with MTOR-related conditions. Advanced modeling of protein sequence and biophysical properties (such as structural, functional, and spatial information, amino acid conservation, physicochemical variation, residue mobility, and thermodynamic stability) performed at Invitae indicates that this missense variant is not expected to disrupt MTOR protein function with a negative predictive value of 95%. In summary, the available evidence is currently insufficient to determine the role of this variant in disease. Therefore, it has been classified as a Variant of Uncertain Significance.

NM_004958.4(MTOR):c.5963A>G (p.His1988Arg)

Gene: MTOR (mechanistic target of rapamycin kinase; minus strand). Cytogenetic location: 1p36.22.
Variant type: single nucleotide variant.
Coding change: c.5963A>G on transcript NM_004958.4 (MANE Select); coding-DNA position 5963, A replaced by G.
Protein change: p.His1988Arg; replaces histidine 1988 with arginine.
Molecular consequence: missense variant.
Genome position (GRCh38, 1-based): chr1:11,128,074, T>C on the plus strand (A>G on the coding strand, the complement: MTOR is on the minus strand). VCF-style: chr1-11128074-T-C. GRCh37 (hg19) VCF-style: chr1-11188131-T-C.
Other names: c.5963A>G, p.His1988Arg (NM_001386500.1); c.4715A>G, p.His1572Arg (NM_001386501.1); short protein forms H1988R, H1572R.
Identifiers: ClinVar variation 3679450 (VCV003679450.2).